The following is an entry in ClinVar:

ClinVar aggregate classification (germline): Uncertain significance (1 of 4 stars; one submission).

Conditions:
Epidermolysis bullosa simplex with nail dystrophy (EBS5D). Identifiers: MedGen C4225309, MONDO:0014661, OMIM 616487.
Epidermolysis bullosa simplex 5C, with pyloric atresia (EBS5C). Also called: PLEC-Related Epidermolysis Bullosa with Pyloric Atresia; Epidermolysis bullosa simplex with pyloric atresia; PLEC1-Related Epidermolysis Bullosa with Pyloric Atresia. Identifiers: Orphanet 158684, MedGen C2677349, MONDO:0012807, OMIM 612138.
Autosomal recessive limb-girdle muscular dystrophy type 2Q (LGMDR17). Also called: MUSCULAR DYSTROPHY, LIMB-GIRDLE, AUTOSOMAL RECESSIVE 17. Identifiers: Orphanet 254361, MedGen C3150989, MONDO:0013390, OMIM 613723.
Epidermolysis bullosa simplex, Ogna type (EBS5A). Also called: Pidermolysis bullosa simplex 5A, Ogna type; EPIDERMOLYSIS BULLOSA SIMPLEX 5A, OGNA TYPE. Identifiers: Orphanet 79401, MedGen C0432317, MONDO:0007555, OMIM 131950.
Epidermolysis bullosa simplex 5B, with muscular dystrophy (EBS5B). Also called: EPIDERMOLYSIS BULLOSA SIMPLEX AND LIMB-GIRDLE MUSCULAR DYSTROPHY; Epidermolysis bullosa simplex with muscular dystrophy. Identifiers: Orphanet 257, MedGen C2931072, MONDO:0009181, OMIM 226670.

Allele frequency attached by ClinVar (database versions not stated): gnomAD 0.00001; TOPMed 0.00001.
gnomAD v4.1: 1 of 1,612,098 alleles (0.000062%); highest among the groups gnomAD compares: Admixed American, 0.0017%; no homozygotes.

Submission:

Labcorp Genetics (formerly Invitae), Labcorp
Classification: Uncertain significance for Autosomal recessive limb-girdle muscular dystrophy type 2Q; Epidermolysis bullosa simplex, Ogna type; Epidermolysis bullosa simplex with nail dystrophy; Epidermolysis bullosa simplex 5C, with pyloric atresia; Epidermolysis bullosa simplex 5B, with muscular dystrophy. Last evaluated: 2023-01-12. Review status: criteria provided, single submitter. Criteria: Invitae Variant Classification Sherloc (09022015). Collection method: clinical testing. Allele origin: germline.
Comment: This sequence change replaces lysine, which is basic and polar, with asparagine, which is neutral and polar, at codon 3242 of the PLEC protein (p.Lys3242Asn). This variant is not present in population databases (gnomAD no frequency). This variant has not been reported in the literature in individuals affected with PLEC-related conditions. Algorithms developed to predict the effect of missense changes on protein structure and function are either unavailable or do not agree on the potential impact of this missense change (SIFT: "Deleterious"; PolyPhen-2: "Possibly Damaging"; Align-GVGD: "Class C0"). In summary, the available evidence is currently insufficient to determine the role of this variant in disease. Therefore, it has been classified as a Variant of Uncertain Significance.

NM_201384.3(PLEC):c.9645G>C (p.Lys3215Asn)

Gene: PLEC (plectin; minus strand). Cytogenetic location: 8q24.3.
Variant type: single nucleotide variant.
Coding change: c.9645G>C on transcript NM_201384.3 (MANE Select); coding-DNA position 9645, G replaced by C.
Protein change: p.Lys3215Asn; replaces lysine 3215 with asparagine.
Molecular consequence: missense variant.
Genome position (GRCh38, 1-based): chr8:143,920,176, C>G on the plus strand (G>C on the coding strand, the complement: PLEC is on the minus strand). VCF-style: chr8-143920176-C-G. GRCh37 (hg19) VCF-style: chr8-144994344-C-G.
Other names: c.9726G>C, p.Lys3242Asn (NM_000445.5); c.6345G>C, p.Lys2115Asn (NM_001410941.1); c.9603G>C, p.Lys3201Asn (NM_201378.4); c.9579G>C, p.Lys3193Asn (NM_201379.3); c.10056G>C, p.Lys3352Asn (NM_201380.4); c.9549G>C, p.Lys3183Asn (NM_201381.3); c.9645G>C, p.Lys3215Asn (NM_201382.4); c.9657G>C, p.Lys3219Asn (NM_201383.3); short protein forms K3352N, K3193N, K3201N, K2115N, K3219N, K3242N, K3183N, K3215N.
Identifiers: ClinVar variation 2938463 (VCV002938463.3), dbSNP rs1398623845, ClinGen allele CA372507541.